The following continues an entry in ClinVar:

NM_000257.4(MYH7):c.2080C>T (p.Arg694Cys)

Gene: MYH7. ClinVar aggregate classification (germline): Pathogenic/Likely pathogenic. Pathogenic (3); Likely pathogenic (6).

Submissions 6 to 13 of 13:

Broad Center for Mendelian Genomics, Broad Institute of MIT and Harvard
Classification: Pathogenic for Hypertrophic cardiomyopathy. Last evaluated: 2024-09-04. Review status: criteria provided, single submitter. Criteria: ACMG Guidelines, 2015. Collection method: research. Allele origin: germline. Inheritance: Autosomal dominant inheritance. Affected: yes. Observed: 1 variant allele, 1 heterozygote. Study: Broad Institute Center for Mendelian Genomics (CMG).
Comment: The p.Arg694Cys variant in MYH7 has been reported in multiple individuals with hypertrophic cardiomyopathy (PMID: 10563488, 15519027, 18761664, 32369506) and has been identified in 0.007% (2/29608) of Ashkenazi Jewish chromosomes by the Genome Aggregation Database (gnomAD; dbSNP rs727504240). Although this variant has been seen in the general population in a heterozygous state, its frequency is not high enough to rule out a pathogenic role. Pathogenic variants may be present at a low frequency in the general population, for diseases with clinical variability, or reduced penetrance. This variant has also been reported in ClinVar (Variation ID: 177627) and has been interpreted as pathogenic and likely pathogenic by multiple submitters. Computational prediction tools and conservation analyses suggest that this variant may impact the protein, though this information is not predictive enough to determine pathogenicity. One additional pathogenic variant, resulting in a different amino acid change at the same position, p.Arg694His, has been reported in association with disease in ClinVar, supporting that a change at this position may not be tolerated (Variation ID: 264068). Multiple variants in the same region as p.Arg694Cys have been reported in association with disease in the literature and ClinVar, suggesting that this variant is in a functional domain and slightly supports pathogenicity (PMID: 27532257). The number of missense variants reported in MYH7 in the general population is lower than expected, suggesting there is little benign variation in this gene and slightly increasing the possibility that a missense variant in this gene may not be tolerated. In summary, although additional studies are required to fully establish its clinical significance, this variant is likely pathogenic for autosomal dominant hypertrophic cardiomyopathy. ACMG/AMP Criteria applied: PP3_moderate, PM5, PS4_moderate, PP2, PM1_supporting (Richards 2015).

All of Us Research Program, National Institutes of Health
Classification: Likely pathogenic for Hypertrophic cardiomyopathy. Last evaluated: 2024-02-08. Review status: criteria provided, single submitter. Criteria: ACMG Guidelines, 2015. Collection method: clinical testing. Allele origin: germline. Inheritance: Autosomal dominant inheritance. Observed: 1 variant allele, 1 heterozygote.
Comment: This missense variant replaces arginine with cysteine at codon 694 of the MYH7 protein. This variant is found within a highly conserved region of the myosin head domain. Missense variants in this region have been shown to be significantly overrepresented in individuals with hypertrophic cardiomyopathy (PMID: 27532257). Computational prediction suggests that this variant may have deleterious impact on protein structure and function (internally defined REVEL score threshold >= 0.7, PMID: 27666373). To our knowledge, functional studies have not been reported for this variant. This variant has been reported in at least 15 unrelated individuals affected with hypertrophic cardiomyopathy (PMID: 10563488, 15519027, 18533079, 23674513, 24793961, 25524337, 27247418, 27532257, 32228044, 32369506), including 5 of them who also carried a pathogenic variant in the MYBPC3 gene (PMID: 15519027, 18533079, 32228044). It has been shown that this variant segregates with disease in 5 affected individuals in a family (PMID: 10563488, 15114369, 19035361). This variant has also been reported in an individual affected with unexplained limb-girdle weakness (PMID: 32528171). This variant has been identified in 5/251358 chromosomes in the general population by the Genome Aggregation Database (gnomAD). Based on the available evidence, this variant is classified as Likely Pathogenic.

This study involves interpretation of variants in research participants for the purpose of population health screening. Participant phenotype was not available at the time of variant classification. Additional details can be found in publication PMID: 35346344, PMCID: PMC8962531

Human Genome Sequencing Center Clinical Lab, Baylor College of Medicine
Classification: Likely pathogenic for hypertrophic cardiomyopathy. Last evaluated: 2023-12-27. Review status: criteria provided, single submitter. Criteria: ACMG Guidelines, 2015. Collection method: clinical testing. Allele origin: unknown.
Comment: The c.2080C>T (p.Arg694Cys) variant in MYH7 gene, that encodes for myosin heavy chain 7, has been identified in several (>10) unrelated individuals affected with the consistent phenotype of hypertrophic cardiomyopathy (HCM) (PMID:15358028, 23674513, 25611685, 27532257, 32894683, 22811549, 32369506, 27247418, 24793961, 31737537) and segregated with disease in three affected individuals including the proband in one family (PMID: 10563488). This variant lies in the established functional domain (amino acids 181-937) of the MYH7 protein without benign variations and missense variants in this region are statistically more likely to be disease-associated (PMID:27532257, 27247418). In-silico computational prediction tools suggest that the p.Arg694Cys variant may have deleterious effect on the protein function (REVEL score: 0.81). This variant is rare (5/251358 chromosomes; 0.001989%) in the general population database, gnomAD. It is interpreted as likely pathogenic/pathogenic by several submitters in the ClinVar database (ID: 177627). Another missense substitution affecting the same amino acid, p.Arg694His, has been reported in several (>10) individuals with HCM and classified as likely pathogenic/pathogenic by several submitters in ClinVar (ID: 264068). Therefore, the c.2080C>T (p.Arg694Cys) variant in the MYH7 gene is classified as likely pathogenic.

Laboratory for Molecular Medicine, Mass General Brigham Personalized Medicine
Classification: Likely pathogenic for Hypertrophic cardiomyopathy. Last evaluated: 2019-09-19. Review status: criteria provided, single submitter. Criteria: LMM Criteria. Collection method: clinical testing. Allele origin: germline. Observed: 1 variant allele.
Comment: The p.Arg694Cys variant in MYH7 has been reported in at least 11 individuals with HCM and segregated with disease in 3 affected relatives from 2 families (Andersen 1999 and 2004, Van Driest 2004, Witjas-Paalberends 2013, Alfares 2015, GeneDx pers comm, LMM data). At least 4 individuals carried additional likely disease causing variants in the MYBPC3 gene (Van Driest 2004, GeneDx pers comm). In addition, this variant has been identified in 5/251358 chromosomes by gnomAD and reported in ClinVar (Variant ID: 177627). Computational prediction tools and conservation analyses suggest that this variant may impact the protein, though this information is not predictive enough to determine pathogenicity. Of note, this variant lies in the head region of the protein, and missense variants in this region are statistically more likely to be disease-associated (Walsh 2016). In summary, although additional studies are required to fully establish its clinical significance, this variant meets criteria to be classified as likely pathogenic for autosomal dominant HCM. ACMG/AMP Criteria applied: PS4_Moderate, PM1, PM2, PP3, PP1.

Bioscientia Institut fuer Medizinische Diagnostik GmbH, Sonic Healthcare
Classification: Likely pathogenic for Hypertrophic cardiomyopathy 1. Last evaluated: 2018-12-12. Review status: no assertion criteria provided. Collection method: clinical testing. Allele origin: germline. Affected: yes. Not counted in ClinVar's aggregate classification.

Clinical Genetics DNA and cytogenetics Diagnostics Lab, Erasmus MC, Erasmus Medical Center
Classification: Pathogenic. Review status: no assertion criteria provided. Collection method: clinical testing. Allele origin: germline. Affected: yes. Study: VKGL Data-share Consensus. Not counted in ClinVar's aggregate classification.

Diagnostic Laboratory, Department of Genetics, University Medical Center Groningen
Classification: Pathogenic. Review status: no assertion criteria provided. Collection method: clinical testing. Allele origin: germline. Affected: yes. Study: VKGL Data-share Consensus. Not counted in ClinVar's aggregate classification.

Joint Genome Diagnostic Labs from Nijmegen and Maastricht, Radboudumc and MUMC+
Classification: Pathogenic. Review status: no assertion criteria provided. Collection method: clinical testing. Allele origin: germline. Affected: yes. Study: VKGL Data-share Consensus. Not counted in ClinVar's aggregate classification.

Literature cited by the submitters: PubMed 15114369 (cited by 6 submitters); PubMed 10563488 (cited by 6 submitters); PubMed 30297972 (cited by Women's Health and Genetics/Laboratory Corporation of America, LabCorp and Ambry Genetics); PubMed 12566107 (cited by 3 submitters); PubMed 15519027 (cited by 5 submitters); PubMed 22811549 (cited by Labcorp Genetics (formerly Invitae), Labcorp and Laboratory for Molecular Medicine, Mass General Brigham Personalized Medicine); PubMed 23674513 (cited by 5 submitters); PubMed 25611685 (cited by Labcorp Genetics (formerly Invitae), Labcorp and Laboratory for Molecular Medicine, Mass General Brigham Personalized Medicine); PubMed 27247418 (cited by 4 submitters); PubMed 27532257 (cited by 4 submitters); PubMed 31737537 (cited by Labcorp Genetics (formerly Invitae), Labcorp); PubMed 32894683 (cited by Labcorp Genetics (formerly Invitae), Labcorp); PubMed 12974739 (cited by Labcorp Genetics (formerly Invitae), Labcorp); PubMed 20819418 (cited by Labcorp Genetics (formerly Invitae), Labcorp); PubMed 18533079 (cited by Color Diagnostics, LLC DBA Color Health and All of Us Research Program, National Institutes of Health); PubMed 19035361 (cited by Color Diagnostics, LLC DBA Color Health and All of Us Research Program, National Institutes of Health); PubMed 24793961 (cited by Color Diagnostics, LLC DBA Color Health and All of Us Research Program, National Institutes of Health); PubMed 25524337 (cited by Color Diagnostics, LLC DBA Color Health and All of Us Research Program, National Institutes of Health); PubMed 32228044 (cited by Color Diagnostics, LLC DBA Color Health and All of Us Research Program, National Institutes of Health); PubMed 32369506 (cited by Color Diagnostics, LLC DBA Color Health and All of Us Research Program, National Institutes of Health); PubMed 32528171 (cited by Color Diagnostics, LLC DBA Color Health and All of Us Research Program, National Institutes of Health); PubMed 33495597 (cited by Color Diagnostics, LLC DBA Color Health); PubMed 39554508 (cited by Color Diagnostics, LLC DBA Color Health); PubMed 18761664 (cited by Ambry Genetics); PubMed 23197161 (cited by Ambry Genetics and Laboratory for Molecular Medicine, Mass General Brigham Personalized Medicine); PubMed 15358028 (cited by Laboratory for Molecular Medicine, Mass General Brigham Personalized Medicine).